The following is an entry in ClinVar:

NM_006445.4(PRPF8):c.6820C>T (p.Pro2274Ser)

Gene: PRPF8 (pre-mRNA processing factor 8; minus strand). Cytogenetic location: 17p13.3.
Variant type: single nucleotide variant.
Coding change: c.6820C>T on transcript NM_006445.4 (MANE Select); coding-DNA position 6820, C replaced by T.
Protein change: p.Pro2274Ser; replaces proline 2274 with serine.
Molecular consequence: missense variant.
Genome position (GRCh38, 1-based): chr17:1,651,141, G>A on the plus strand (C>T on the coding strand, the complement: PRPF8 is on the minus strand). VCF-style: chr17-1651141-G-A. GRCh37 (hg19) VCF-style: chr17-1554435-G-A.
Other names: short protein forms P2274S.
Identifiers: ClinVar variation 3649787 (VCV003649787.2).

ClinVar aggregate classification (germline): Uncertain significance (1 of 4 stars; one submission).

Submission:

Labcorp Genetics (formerly Invitae), Labcorp
Classification: Uncertain significance. Last evaluated: 2024-04-13. Review status: criteria provided, single submitter. Criteria: Invitae Variant Classification Sherloc (09022015). Collection method: clinical testing. Allele origin: germline.
Comment: This sequence change replaces proline, which is neutral and non-polar, with serine, which is neutral and polar, at codon 2274 of the PRPF8 protein (p.Pro2274Ser). This variant is not present in population databases (gnomAD no frequency). This variant has not been reported in the literature in individuals affected with PRPF8-related conditions. Advanced modeling of protein sequence and biophysical properties (such as structural, functional, and spatial information, amino acid conservation, physicochemical variation, residue mobility, and thermodynamic stability) performed at Invitae indicates that this missense variant is expected to disrupt PRPF8 protein function with a positive predictive value of 80%. In summary, the available evidence is currently insufficient to determine the role of this variant in disease. Therefore, it has been classified as a Variant of Uncertain Significance.